The following is an entry in ClinVar:

NM_001267550.2(TTN):c.101214T>C (p.Arg33738=)

Genes: TTN-AS1 (TTN antisense RNA 1; plus strand), TTN (titin; minus strand). Cytogenetic location: 2q31.2.
Variant type: single nucleotide variant.
Coding change: c.101214T>C on transcript NM_001267550.2 (MANE Select); coding-DNA position 101214, T replaced by C.
Protein change: p.Arg33738=; no amino-acid change (arginine 33738 retained).
Molecular consequence: synonymous variant.
Genome position (GRCh38, 1-based): chr2:178,535,401, A>G on the plus strand (T>C on the coding strand, the complement: TTN is on the minus strand). VCF-style: chr2-178535401-A-G. GRCh37 (hg19) VCF-style: chr2-179400128-A-G.
Other names: c.93510T>C, p.Arg31170= (NM_133378.4); c.96291T>C, p.Arg32097= (NM_001256850.1); c.74019T>C, p.Arg24673= (NM_003319.4); c.74394T>C, p.Arg24798= (NM_133432.3); c.74595T>C, p.Arg24865= (NM_133437.4).
Identifiers: ClinVar variation 228176 (VCV000228176.7), dbSNP rs876657617, ClinGen allele CA10576453.

ClinVar aggregate classification (germline): Likely benign. Review status: criteria provided, multiple submitters, no conflicts (2 of 4 stars). 2 submissions from 2 submitters: Likely benign (2). Last evaluated 2024-07-11.

Conditions:
Autosomal recessive limb-girdle muscular dystrophy type 2J (LGMDR10). Also called: Limb-girdle muscular dystrophy, type 2J; MUSCULAR DYSTROPHY, LIMB-GIRDLE, AUTOSOMAL RECESSIVE 10. Identifiers: Orphanet 140922, MedGen C1837342, MONDO:0012127, OMIM 608807.
Dilated cardiomyopathy 1G (CMD1G). Identifiers: Orphanet 154, MedGen C1858763, MONDO:0011400, OMIM 604145.

Submissions (2):

Labcorp Genetics (formerly Invitae), Labcorp
Classification: Likely benign for Dilated cardiomyopathy 1G; Autosomal recessive limb-girdle muscular dystrophy type 2J. Last evaluated: 2024-07-11. Review status: criteria provided, single submitter. Criteria: Invitae Variant Classification Sherloc (09022015). Collection method: clinical testing. Allele origin: germline.

Laboratory for Molecular Medicine, Mass General Brigham Personalized Medicine
Classification: Likely benign. Last evaluated: 2015-03-21. Review status: criteria provided, single submitter. Criteria: LMM Criteria. Collection method: clinical testing. Allele origin: germline. Observed: 1 variant allele.
Comment: p.Arg31170Arg in exon 307 of TTN: This variant is not expected to have clinical significance because it does not alter an amino acid residue and is not located within the splice consensus sequence.